The following is an entry in ClinVar:

NM_004385.5(VCAN):c.6539T>G (p.Met2180Arg)

Genes: VCAN (versican; plus strand), VCAN-AS1 (VCAN antisense RNA 1; minus strand). Cytogenetic location: 5q14.3.
Variant type: single nucleotide variant.
Coding change: c.6539T>G on transcript NM_004385.5 (MANE Select); coding-DNA position 6539, T replaced by G.
Protein change: p.Met2180Arg; replaces methionine 2180 with arginine.
Molecular consequence: missense variant. On other transcripts: intron variant (2).
Genome position (GRCh38, 1-based): chr5:83,539,542, T>G. VCF-style: chr5-83539542-T-G. GRCh37 (hg19) VCF-style: chr5-82835361-T-G.
Other names: c.3578T>G, p.Met1193Arg (NM_001164097.2); c.4004-5995T>G (NM_001164098.2); c.1043-5995T>G (NM_001126336.3); short protein forms M1193R, M2180R.
Identifiers: ClinVar variation 2109799 (VCV002109799.5), dbSNP rs1384158057, ClinGen allele CA360312791.

ClinVar aggregate classification (germline): Uncertain significance. Review status: criteria provided, multiple submitters, no conflicts (2 of 4 stars). 2 submissions from 2 submitters: Uncertain significance (2). Last evaluated 2022-10-28.

gnomAD v4.1: 1 of 1,614,052 alleles (0.000062%); no homozygotes.

Submissions (2):

Labcorp Genetics (formerly Invitae), Labcorp
Classification: Uncertain significance. Last evaluated: 2022-10-28. Review status: criteria provided, single submitter. Criteria: Invitae Variant Classification Sherloc (09022015). Collection method: clinical testing. Allele origin: germline.
Comment: In summary, the available evidence is currently insufficient to determine the role of this variant in disease. Therefore, it has been classified as a Variant of Uncertain Significance. Algorithms developed to predict the effect of missense changes on protein structure and function are either unavailable or do not agree on the potential impact of this missense change (SIFT: "Deleterious"; PolyPhen-2: "Benign"; Align-GVGD: "Class C0"). This variant has not been reported in the literature in individuals affected with VCAN-related conditions. This variant is not present in population databases (gnomAD no frequency). This sequence change replaces methionine, which is neutral and non-polar, with arginine, which is basic and polar, at codon 2180 of the VCAN protein (p.Met2180Arg).

Blueprint Genetics
Classification: Uncertain significance. Last evaluated: 2022-03-22. Review status: criteria provided, single submitter. Criteria: ACMG Guidelines, 2015. Collection method: clinical testing. Allele origin: germline.